The following is an entry in ClinVar:

NM_001127222.2(CACNA1A):c.146A>C (p.Lys49Thr)

Gene: CACNA1A (calcium voltage-gated channel subunit alpha1 A; minus strand). Cytogenetic location: 19p13.13.
Variant type: single nucleotide variant.
Coding change: c.146A>C on transcript NM_001127222.2 (MANE Select); coding-DNA position 146, A replaced by C.
Protein change: p.Lys49Thr; replaces lysine 49 with threonine.
Molecular consequence: missense variant.
Genome position (GRCh38, 1-based): chr19:13,506,079, T>G on the plus strand (A>C on the coding strand, the complement: CACNA1A is on the minus strand). VCF-style: chr19-13506079-T-G. GRCh37 (hg19) VCF-style: chr19-13616893-T-G.
Other names: c.146A>C, p.Lys49Thr (NM_023035.3, NM_001174080.2, NM_000068.4 and 1 more transcripts); short protein forms K49T.
Identifiers: ClinVar variation 3369217 (VCV003369217.1).

ClinVar aggregate classification (germline): Uncertain significance (1 of 4 stars; one submission).

Submission:

GeneDx
Classification: Uncertain significance. Last evaluated: 2024-02-18. Review status: criteria provided, single submitter. Criteria: GeneDx Variant Classification Process June 2021. Collection method: clinical testing. Allele origin: germline. Affected: yes.
Comment: Not observed at significant frequency in large population cohorts (gnomAD); In silico analysis supports that this missense variant has a deleterious effect on protein structure/function; Has not been previously published as pathogenic or benign to our knowledge